The following is an entry in ClinVar:

NM_001382391.1(CSPP1):c.1929A>T (p.Lys643Asn)

Gene: CSPP1 (centrosome and spindle pole associated protein 1; plus strand). Cytogenetic location: 8q13.2.
Variant type: single nucleotide variant.
Coding change: c.1929A>T on transcript NM_001382391.1 (MANE Select); coding-DNA position 1929, A replaced by T.
Protein change: p.Lys643Asn; replaces lysine 643 with asparagine.
Molecular consequence: missense variant.
Genome position (GRCh38, 1-based): chr8:67,137,557, A>T. VCF-style: chr8-67137557-A-T. GRCh37 (hg19) VCF-style: chr8-68049792-A-T.
Other names: c.1032A>T, p.Lys344Asn (NM_001291339.2); c.1848A>T, p.Lys616Asn (NM_001363131.2); c.1887A>T, p.Lys629Asn (NM_001363132.2); c.1806A>T, p.Lys602Asn (NM_001363133.2); c.1995A>T, p.Lys665Asn (NM_001364869.1); c.1815A>T, p.Lys605Asn (NM_001364870.1); c.1914A>T, p.Lys638Asn (NM_024790.7); short protein forms K602N, K643N, K344N, K629N, K616N, K638N, K665N, K605N.
Identifiers: ClinVar variation 959861 (VCV000959861.10), dbSNP rs1822601037, ClinGen allele CA371205840.

ClinVar aggregate classification (germline): Uncertain significance (1 of 4 stars; one submission).

Conditions:
Joubert syndrome 21 (JBTS21). Identifiers: MedGen C3810212, MONDO:0014288, OMIM 615636.

Submission:

Labcorp Genetics (formerly Invitae), Labcorp
Classification: Uncertain significance for Joubert syndrome 21. Last evaluated: 2022-06-04. Review status: criteria provided, single submitter. Criteria: Invitae Variant Classification Sherloc (09022015). Collection method: clinical testing. Allele origin: germline.
Comment: In summary, the available evidence is currently insufficient to determine the role of this variant in disease. Therefore, it has been classified as a Variant of Uncertain Significance. Algorithms developed to predict the effect of missense changes on protein structure and function are either unavailable or do not agree on the potential impact of this missense change (SIFT: "Deleterious"; PolyPhen-2: "Probably Damaging"; Align-GVGD: "Class C0"). ClinVar contains an entry for this variant (Variation ID: 959861). This variant has not been reported in the literature in individuals affected with CSPP1-related conditions. This variant is not present in population databases (gnomAD no frequency). This sequence change replaces lysine, which is basic and polar, with asparagine, which is neutral and polar, at codon 638 of the CSPP1 protein (p.Lys638Asn).